The following is an entry in ClinVar:

NM_001267550.2(TTN):c.14235G>A (p.Lys4745=)

Gene: TTN (titin; minus strand). Cytogenetic location: 2q31.2.
Variant type: single nucleotide variant.
Coding change: c.14235G>A on transcript NM_001267550.2 (MANE Select); coding-DNA position 14235, G replaced by A.
Protein change: p.Lys4745=; no amino-acid change (lysine 4745 retained).
Molecular consequence: synonymous variant.
Genome position (GRCh38, 1-based): chr2:178,738,218, C>T on the plus strand (G>A on the coding strand, the complement: TTN is on the minus strand). VCF-style: chr2-178738218-C-T. GRCh37 (hg19) VCF-style: chr2-179602945-C-T.
Other names: c.13284G>A, p.Lys4428= (NM_001256850.1); c.13146G>A, p.Lys4382= (NM_003319.4); c.10503G>A, p.Lys3501= (NM_133378.4); c.13521G>A, p.Lys4507= (NM_133432.3); c.13722G>A, p.Lys4574= (NM_133437.4).
Identifiers: ClinVar variation 390867 (VCV000390867.12), dbSNP rs756868442, ClinGen allele CA2002443.

ClinVar aggregate classification (germline): Likely benign. Review status: criteria provided, multiple submitters, no conflicts (2 of 4 stars). 4 submissions from 4 submitters: Likely benign (4). Last evaluated 2025-11-05.

Conditions:
Cardiovascular phenotype. Identifiers: MedGen CN230736.
Autosomal recessive limb-girdle muscular dystrophy type 2J (LGMDR10). Also called: Limb-girdle muscular dystrophy, type 2J; MUSCULAR DYSTROPHY, LIMB-GIRDLE, AUTOSOMAL RECESSIVE 10. Identifiers: Orphanet 140922, MedGen C1837342, MONDO:0012127, OMIM 608807.
Dilated cardiomyopathy 1G (CMD1G). Identifiers: Orphanet 154, MedGen C1858763, MONDO:0011400, OMIM 604145.

Allele frequency attached by ClinVar (database versions not stated): gnomAD 0.00002 and 0.00003; ExAC 0.00003; TOPMed 0.00003; gnomAD exomes 0.00004.
gnomAD v4.1: 280 of 1,613,522 alleles (0.017%); highest among the groups gnomAD compares: Non-Finnish European, 0.024%; no homozygotes.

Submissions (4):

Labcorp Genetics (formerly Invitae), Labcorp
Classification: Likely benign for Dilated cardiomyopathy 1G; Autosomal recessive limb-girdle muscular dystrophy type 2J. Last evaluated: 2025-11-05. Review status: criteria provided, single submitter. Criteria: Invitae Variant Classification Sherloc (09022015). Collection method: clinical testing. Allele origin: germline.

Blueprint Genetics
Classification: Likely benign. Last evaluated: 2024-08-19. Review status: criteria provided, single submitter. Criteria: ACMG Guidelines, 2015. Collection method: clinical testing. Allele origin: germline.

Ambry Genetics
Classification: Likely benign for Cardiovascular phenotype. Last evaluated: 2023-04-03. Review status: criteria provided, single submitter. Criteria: Ambry Variant Classification Scheme 2023. Collection method: clinical testing. Allele origin: germline.

GeneDx
Classification: Likely benign. Last evaluated: 2016-11-16. Review status: criteria provided, single submitter. Criteria: GeneDx Variant Classification (06012015). Collection method: clinical testing. Allele origin: germline. Affected: yes.
Comment: This variant is considered likely benign or benign based on one or more of the following criteria: it is a conservative change, it occurs at a poorly conserved position in the protein, it is predicted to be benign by multiple in silico algorithms, and/or has population frequency not consistent with disease.